The following is an entry in ClinVar:

ClinVar aggregate classification (germline): Uncertain significance (1 of 4 stars; one submission).

Conditions:
Nemaline myopathy 2 (NEM2). Also called: Nemaline myopathy 2, autosomal recessive. Identifiers: MedGen C1850569, MONDO:0009725, OMIM 256030.

gnomAD v4.1: 1 of 1,613,932 alleles (0.000062%); highest among the groups gnomAD compares: Admixed American, 0.0017%; no homozygotes.

Submission:

Labcorp Genetics (formerly Invitae), Labcorp
Classification: Uncertain significance for Nemaline myopathy 2. Last evaluated: 2022-05-25. Review status: criteria provided, single submitter. Criteria: Invitae Variant Classification Sherloc (09022015). Collection method: clinical testing. Allele origin: germline.
Comment: In summary, the available evidence is currently insufficient to determine the role of this variant in disease. Therefore, it has been classified as a Variant of Uncertain Significance. Algorithms developed to predict the effect of missense changes on protein structure and function are either unavailable or do not agree on the potential impact of this missense change (SIFT: "Deleterious"; PolyPhen-2: "Not Available"; Align-GVGD: "Class C0"). This variant has not been reported in the literature in individuals affected with NEB-related conditions. This variant is present in population databases (no rsID available, gnomAD 0.003%). This sequence change replaces threonine, which is neutral and polar, with serine, which is neutral and polar, at codon 1623 of the NEB protein (p.Thr1623Ser).

NM_001164508.2(NEB):c.4868C>G (p.Thr1623Ser)

Gene: NEB (nebulin; minus strand). Cytogenetic location: 2q23.3.
Variant type: single nucleotide variant.
Coding change: c.4868C>G on transcript NM_001164508.2 (MANE Select); coding-DNA position 4868, C replaced by G.
Protein change: p.Thr1623Ser; replaces threonine 1623 with serine.
Molecular consequence: missense variant.
Genome position (GRCh38, 1-based): chr2:151,666,253, G>C on the plus strand (C>G on the coding strand, the complement: NEB is on the minus strand). VCF-style: chr2-151666253-G-C. GRCh37 (hg19) VCF-style: chr2-152522767-G-C.
Other names: c.4868C>G, p.Thr1623Ser (NM_001164507.2, NM_001271208.2, NM_004543.5); short protein forms T1623S.
Identifiers: ClinVar variation 1907761 (VCV001907761.5), dbSNP rs775749613, ClinGen allele CA348813604.